The following is an entry in ClinVar:

ClinVar aggregate classification (germline): Pathogenic/Likely pathogenic. Review status: criteria provided, multiple submitters, no conflicts (2 of 4 stars). 2 submissions from 2 submitters: Pathogenic (1); Likely pathogenic (1). Last evaluated 2026-07-22.

Conditions:
Familial cancer of breast. Also called: BREAST CANCER, FAMILIAL; Hereditary breast cancer; hereditary breast carcinoma. Identifiers: Orphanet 227535, MedGen C0346153, MONDO:0016419, OMIM 114480. Disease mechanism: loss of function.
Ataxia-telangiectasia syndrome (AT). Also called: LOUIS-BAR SYNDROME; Cerebello-oculocutaneous telangiectasia; Immunodeficiency with ataxia telangiectasia; Ataxia telangiectasia (A-T); Ataxia-telangiectasia, complementation group D; AT, COMPLEMENTATION GROUP C. Identifiers: Orphanet 100, MedGen C0004135, MONDO:0008840, OMIM 208900.

Submissions (2):

Myriad Genetics, Inc.
Classification: Pathogenic for Familial cancer of breast. Last evaluated: 2026-07-22. Review status: criteria provided, single submitter. Criteria: Myriad Autosomal Dominant, Autosomal Recessive and X-Linked Classification Criteria (2023). Collection method: clinical testing. Allele origin: unknown.
Comment: This variant is considered pathogenic. This variant occurs within a consensus splice junction and is predicted to result in abnormal mRNA splicing of either an out-of-frame exon or an in-frame exon necessary for protein stability and/or normal function. mRNA analysis has demonstrated abnormal mRNA splicing occurs [PMID: 41715124]. This variant has been reported in an individual with clinical features of gene-specific disease [PMID: 41715124].

Labcorp Genetics (formerly Invitae), Labcorp
Classification: Likely pathogenic for Ataxia-telangiectasia syndrome. Last evaluated: 2022-01-07. Review status: criteria provided, single submitter. Criteria: Invitae Variant Classification Sherloc (09022015). Collection method: clinical testing. Allele origin: germline.
Comment: This sequence change affects a donor splice site in intron 48 of the ATM gene. It is expected to disrupt RNA splicing. Variants that disrupt the donor or acceptor splice site typically lead to a loss of protein function (PMID: 16199547), and loss-of-function variants in ATM are known to be pathogenic (PMID: 23807571, 25614872). This variant is not present in population databases (gnomAD no frequency). This variant has not been reported in the literature in individuals affected with ATM-related conditions. Algorithms developed to predict the effect of sequence changes on RNA splicing suggest that this variant may disrupt the consensus splice site. In summary, the currently available evidence indicates that the variant is pathogenic, but additional data are needed to prove that conclusively. Therefore, this variant has been classified as Likely Pathogenic.

Literature cited by the submitters: PubMed 41715124 (cited by Myriad Genetics, Inc.); PubMed 16199547 (cited by Labcorp Genetics (formerly Invitae), Labcorp); PubMed 23807571 (cited by Labcorp Genetics (formerly Invitae), Labcorp); PubMed 25614872 (cited by Labcorp Genetics (formerly Invitae), Labcorp).

NM_000051.4(ATM):c.7089+1G>C

Genes: ATM (ATM serine/threonine kinase; plus strand), C11orf65 (chromosome 11 open reading frame 65; minus strand). Cytogenetic location: 11q22.3.
Variant type: single nucleotide variant.
Coding change: c.7089+1G>C on transcript NM_000051.4 (MANE Select); the canonical splice donor site of the intron after coding-DNA position 7089, G replaced by C.
Molecular consequence: splice donor variant. On other transcripts: intron variant (2).
Genome position (GRCh38, 1-based): chr11:108,327,759, G>C. VCF-style: chr11-108327759-G-C. GRCh37 (hg19) VCF-style: chr11-108198486-G-C.
Other names: c.7089+1G>C (NM_001351834.2); c.641-18688C>G (NM_001330368.2); c.*38+7461C>G (NM_001351110.2).
Identifiers: ClinVar variation 1484909 (VCV001484909.9), dbSNP rs777741666, ClinGen allele CA382559228.